The following is an entry in ClinVar:

NM_032119.4(ADGRV1):c.12786C>T (p.Ser4262=)

Gene: ADGRV1 (adhesion G protein-coupled receptor V1; plus strand). Cytogenetic location: 5q14.3.
Variant type: single nucleotide variant.
Coding change: c.12786C>T on transcript NM_032119.4 (MANE Select); coding-DNA position 12786, C replaced by T.
Protein change: p.Ser4262=; no amino-acid change (serine 4262 retained).
Molecular consequence: synonymous variant. On other transcripts: non-coding transcript variant (1).
Genome position (GRCh38, 1-based): chr5:90,778,546, C>T. VCF-style: chr5-90778546-C-T. GRCh37 (hg19) VCF-style: chr5-90074363-C-T.
Identifiers: ClinVar variation 804495 (VCV000804495.15), dbSNP rs201777525, ClinGen allele CA3341332.
Genomic context (GRCh38, chr5:90,778,546, plus strand): 5'-CAGTGAGGGAGGAGTTCTGAGTGAATCCAGCAGCACTGCCAACATCACGGTGGTGGCCAG[C>T]GACTCTCCCTATGGCCGATTTGCCTTTTCACATGAGCAACTTCGAGTGTCAGAAGCACAG-3'
Protein context (NP_115495.3, residues 4252-4272): SSTANITVVA[Ser4262=]DSPYGRFAFS

ClinVar aggregate classification (germline): Conflicting classifications of pathogenicity. Review status: criteria provided, conflicting classifications (1 of 4 stars). 5 submissions from 5 submitters: Uncertain significance (1); Likely benign (4). Last evaluated 2025-09-15.

Conditions:
Usher syndrome type 2C. Also called: Usher syndrome, type 2B; USHER SYNDROME, TYPE IIC. Identifiers: Orphanet 231178, Orphanet 886, MedGen C2931213, MONDO:0011558, OMIM 605472.
ADGRV1-related disorder. Also called: ADGRV1-related disorders; ADGRV1-related condition.

Allele frequency attached by ClinVar (database versions not stated): ExAC 0.00004; gnomAD 0.00006; TOPMed 0.00006.
gnomAD v4.1: 71 of 1,611,920 alleles (0.0044%); highest among the groups gnomAD compares: Admixed American, 0.0017%; no homozygotes.

Submissions (5):

Labcorp Genetics (formerly Invitae), Labcorp
Classification: Likely benign. Last evaluated: 2025-09-15. Review status: criteria provided, single submitter. Criteria: Invitae Variant Classification Sherloc (09022015). Collection method: clinical testing. Allele origin: germline.

PreventionGenetics, part of Exact Sciences
Classification: Likely benign for ADGRV1-related condition. Last evaluated: 2024-12-04. Review status: criteria provided, single submitter. Criteria: ACMG Guidelines, 2015. Collection method: clinical testing. Allele origin: germline.
Comment: This variant is classified as likely benign based on ACMG/AMP sequence variant interpretation guidelines (Richards et al. 2015 PMID: 25741868, with internal and published modifications).

Blueprint Genetics
Classification: Likely benign. Last evaluated: 2024-10-23. Review status: criteria provided, single submitter. Criteria: ACMG Guidelines, 2015. Collection method: clinical testing. Allele origin: germline.

Athena Diagnostics
Classification: Likely benign. Last evaluated: 2018-12-06. Review status: criteria provided, single submitter. Criteria: Athena Diagnostics Criteria. Collection method: clinical testing. Allele origin: germline.

Illumina Laboratory Services, Illumina
Classification: Uncertain significance for Usher syndrome type 2C. Last evaluated: 2018-01-13. Review status: criteria provided, single submitter. Criteria: ICSL Variant Classification Criteria 13 December 2019. Collection method: clinical testing. Allele origin: germline.